The following is an entry in ClinVar:

ClinVar aggregate classification (germline): Uncertain significance. Review status: no assertion criteria provided (0 of 4 stars). 2 submissions from 2 submitters: Uncertain significance (1). 1 of the submissions does not count toward it. Last evaluated 2021-04-06.

Submissions (2):

Leiden Open Variation Database
Classification: Uncertain significance. Last evaluated: 2021-04-06. Review status: no assertion criteria provided. Collection method: curation. Allele origin: germline. Affected: yes.
Comment: Curator: Global Variome, with Curator vacancy. Submitter to LOVD: Manon Peeters.

Retina International
No classification provided. Review status: no classification provided. Collection method: not provided. Allele origin: not provided. Not counted in ClinVar's aggregate classification.

NM_000322.5(PRPH2):c.199_201del (p.Met67del)

Gene: PRPH2 (peripherin 2; minus strand). Cytogenetic location: 6p21.1.
Variant type: Deletion.
Coding change: c.199_201del on transcript NM_000322.5 (MANE Select); coding-DNA positions 199 to 201, 3 bases deleted (ATG; older notation c.199_201delATG).
Protein change: p.Met67del; deletes methionine 67.
Molecular consequence: inframe deletion.
Genome position (GRCh38, 1-based): chr6:42,722,134-42,722,136, CAT deleted on the plus strand (ATG on the coding strand, the reverse complement: PRPH2 is on the minus strand); deleting any 3 consecutive bases within chr6:42,722,134-42,722,137 gives the same sequence; the c. name uses the placement nearest the transcript's 3' end. VCF-style (leftmost placement, unchanged base first): chr6-42722133-CCAT-C. GRCh37 (hg19) VCF-style: chr6-42689871-CCAT-C.
Other names: c.199_201del (NM_000322.4); short protein forms M67del.
Identifiers: ClinVar variation 98656 (VCV000098656.2), dbSNP rs61755773, ClinGen allele CA226214.